The following is an entry in ClinVar:

ClinVar aggregate classification (germline): Conflicting classifications of pathogenicity. Review status: criteria provided, conflicting classifications (1 of 4 stars). 2 submissions from 2 submitters: Uncertain significance (1); Likely benign (1). Last evaluated 2024-09-09.

Conditions:
Inborn genetic diseases. Identifiers: MedGen C0950123, MeSH D030342.

Allele frequency attached by ClinVar (database versions not stated): gnomAD exomes below 0.00001; ExAC 0.00001; TOPMed 0.00001.
gnomAD v4.1: 7 of 1,614,134 alleles (0.00043%); highest among the groups gnomAD compares: Admixed American, 0.0067%; no homozygotes.

Submissions (2):

Ambry Genetics
Classification: Likely benign for Inborn genetic diseases. Last evaluated: 2024-09-09. Review status: criteria provided, single submitter. Criteria: Ambry Variant Classification Scheme 2023. Collection method: clinical testing. Allele origin: germline.

Labcorp Genetics (formerly Invitae), Labcorp
Classification: Uncertain significance. Last evaluated: 2023-08-04. Review status: criteria provided, single submitter. Criteria: Invitae Variant Classification Sherloc (09022015). Collection method: clinical testing. Allele origin: germline.
Comment: In summary, the available evidence is currently insufficient to determine the role of this variant in disease. Therefore, it has been classified as a Variant of Uncertain Significance. This sequence change replaces arginine, which is basic and polar, with glutamine, which is neutral and polar, at codon 1264 of the KMT2A protein (p.Arg1264Gln). This variant is present in population databases (rs782683534, gnomAD 0.01%). This variant has not been reported in the literature in individuals affected with KMT2A-related conditions. Advanced modeling of protein sequence and biophysical properties (such as structural, functional, and spatial information, amino acid conservation, physicochemical variation, residue mobility, and thermodynamic stability) has been performed at Invitae for this missense variant, however the output from this modeling did not meet the statistical confidence thresholds required to predict the impact of this variant on KMT2A protein function.

NM_001197104.2(KMT2A):c.3791G>A (p.Arg1264Gln)

Gene: KMT2A (lysine methyltransferase 2A; plus strand). Cytogenetic location: 11q23.3.
Variant type: single nucleotide variant.
Coding change: c.3791G>A on transcript NM_001197104.2 (MANE Select); coding-DNA position 3791, G replaced by A.
Protein change: p.Arg1264Gln; replaces arginine 1264 with glutamine.
Molecular consequence: missense variant.
Genome position (GRCh38, 1-based): chr11:118,481,871, G>A. VCF-style: chr11-118481871-G-A. GRCh37 (hg19) VCF-style: chr11-118352586-G-A.
Other names: c.3890G>A, p.Arg1297Gln (NM_001412597.1); c.3791G>A, p.Arg1264Gln (NM_005933.4); short protein forms R1264Q, R1297Q.
Identifiers: ClinVar variation 3010227 (VCV003010227.4), dbSNP rs782683534, ClinGen allele CA6303725.